The following is an entry in ClinVar:

ClinVar aggregate classification (germline): Uncertain significance (1 of 4 stars; one submission).

Allele frequency attached by ClinVar (database versions not stated): ESP Exome Variant Server 0.00008.
gnomAD v4.1: 23 of 1,613,584 alleles (0.0014%); highest among the groups gnomAD compares: Middle Eastern, 0.05%; no homozygotes.

Submission:

Labcorp Genetics (formerly Invitae), Labcorp
Classification: Uncertain significance. Last evaluated: 2022-10-17. Review status: criteria provided, single submitter. Criteria: Invitae Variant Classification Sherloc (09022015). Collection method: clinical testing. Allele origin: germline.
Comment: This sequence change replaces valine, which is neutral and non-polar, with alanine, which is neutral and non-polar, at codon 216 of the ITGA8 protein (p.Val216Ala). This variant is present in population databases (rs371014247, gnomAD 0.004%). This variant has not been reported in the literature in individuals affected with ITGA8-related conditions. Advanced modeling of protein sequence and biophysical properties (such as structural, functional, and spatial information, amino acid conservation, physicochemical variation, residue mobility, and thermodynamic stability) performed at Invitae indicates that this missense variant is not expected to disrupt ITGA8 protein function. In summary, the available evidence is currently insufficient to determine the role of this variant in disease. Therefore, it has been classified as a Variant of Uncertain Significance.

NM_003638.3(ITGA8):c.647T>C (p.Val216Ala)

Gene: ITGA8 (integrin subunit alpha 8; minus strand). Cytogenetic location: 10p13.
Variant type: single nucleotide variant.
Coding change: c.647T>C on transcript NM_003638.3 (MANE Select); coding-DNA position 647, T replaced by C.
Protein change: p.Val216Ala; replaces valine 216 with alanine.
Molecular consequence: missense variant.
Genome position (GRCh38, 1-based): chr10:15,677,621, A>G on the plus strand (T>C on the coding strand, the complement: ITGA8 is on the minus strand). VCF-style: chr10-15677621-A-G. GRCh37 (hg19) VCF-style: chr10-15719620-A-G.
Other names: c.647T>C, p.Val216Ala (NM_001291494.2); short protein forms V216A.
Identifiers: ClinVar variation 2420776 (VCV002420776.3), dbSNP rs371014247, ClinGen allele CA5420601.